The following is an entry in ClinVar:

ClinVar aggregate classification (germline): Likely benign. Review status: criteria provided, multiple submitters, no conflicts (2 of 4 stars). 3 submissions from 3 submitters: Likely benign (3). Last evaluated 2025-02-23.

Conditions:
Epilepsy, idiopathic generalized, susceptibility to, 13. Also called: EPILEPSY, JUVENILE MYOCLONIC, SUSCEPTIBILITY TO, 5. Identifiers: Orphanet 307, Orphanet 64280, MedGen C4013473, MONDO:0012627, OMIM 611136.
Idiopathic generalized epilepsy. Also called: Generalised epilepsy; EIG. Identifiers: MedGen C0270850, MONDO:0005579, OMIM 600669.
Epilepsy, childhood absence 4 (ECA4). Also called: EPILEPSY, CHILDHOOD ABSENCE, SUSCEPTIBILITY TO, 4. Identifiers: Orphanet 307, MedGen C1970160.

Allele frequency attached by ClinVar (database versions not stated): TOPMed 0.00003; gnomAD 0.00004; gnomAD exomes 0.00007.
gnomAD v4.1: 104 of 1,613,556 alleles (0.0064%); highest among the groups gnomAD compares: Non-Finnish European, 0.0085%; no homozygotes.

Submissions (3):

Labcorp Genetics (formerly Invitae), Labcorp
Classification: Likely benign for Epilepsy, childhood absence 4; Epilepsy, idiopathic generalized, susceptibility to, 13; Idiopathic generalized epilepsy. Last evaluated: 2025-02-23. Review status: criteria provided, single submitter. Criteria: Invitae Variant Classification Sherloc (09022015). Collection method: clinical testing. Allele origin: germline.

CeGaT Center for Human Genetics Tuebingen
Classification: Likely benign. Last evaluated: 2023-09-01. Review status: criteria provided, single submitter. Criteria: CeGaT Center For Human Genetics Tuebingen Variant Classification Criteria Version 2. Collection method: clinical testing. Allele origin: germline. Affected: yes. Observed: 1 variant allele.
Comment: GABRA1: BP4, BP7

GeneDx
Classification: Likely benign. Last evaluated: 2017-06-28. Review status: criteria provided, single submitter. Criteria: GeneDx Variant Classification (06012015). Collection method: clinical testing. Allele origin: germline. Affected: yes.
Comment: This variant is considered likely benign or benign based on one or more of the following criteria: it is a conservative change, it occurs at a poorly conserved position in the protein, it is predicted to be benign by multiple in silico algorithms, and/or has population frequency not consistent with disease.

NM_001127644.2(GABRA1):c.873C>T (p.Leu291=)

Gene: GABRA1 (gamma-aminobutyric acid type A receptor subunit alpha1; plus strand). Cytogenetic location: 5q34.
Variant type: single nucleotide variant.
Coding change: c.873C>T on transcript NM_001127644.2 (MANE Select); coding-DNA position 873, C replaced by T.
Protein change: p.Leu291=; no amino-acid change (leucine 291 retained).
Molecular consequence: synonymous variant.
Genome position (GRCh38, 1-based): chr5:161,895,682, C>T. VCF-style: chr5-161895682-C-T. GRCh37 (hg19) VCF-style: chr5-161322688-C-T.
Other names: c.873C>T, p.Leu291= (NM_000806.5, NM_001127643.2, NM_001127645.2 and 1 more transcripts).
Identifiers: ClinVar variation 379161 (VCV000379161.36), dbSNP rs777911034, ClinGen allele CA3544549.